The following is an entry in ClinVar:

ClinVar aggregate classification (germline): Likely pathogenic (1 of 4 stars; one submission).

Conditions:
Cardiovascular phenotype. Identifiers: MedGen CN230736.

Submission:

Ambry Genetics
Classification: Likely pathogenic for Cardiovascular phenotype. Last evaluated: 2025-07-17. Review status: criteria provided, single submitter. Criteria: Ambry Variant Classification Scheme 2023. Collection method: clinical testing. Allele origin: germline.
Comment: The c.25778delC variant, located in coding exon 103 of the TTN gene, results from a deletion of one nucleotide at nucleotide position 25778, causing a translational frameshift with a predicted alternate stop codon (p.T8593Nfs*27). This exon is located in the A-band region of the N2-B isoform of the titin protein and is constitutively expressed in TTN transcripts (percent spliced in or PSI 100%). This variant was reported in individual(s) with features consistent with dilated cardiomyopathy (Ambry internal data). This variant is considered to be rare based on population cohorts in the Genome Aggregation Database (gnomAD). This variant is expected to result in loss of function by premature protein truncation or nonsense-mediated mRNA decay. While truncating variants in TTN are present in 1-3% of the general population, truncating variants in the A-band are the most common cause of dilated cardiomyopathy (Herman DS et al. N. Engl. J. Med., 2012 Feb;366:619-28; Roberts AM et al. Sci Transl Med, 2015 Jan;7:270ra6). TTN truncating variants encoded in constitutive exons (PSI >90%) have been found to be significantly associated with DCM regardless of their position in titin (Schafer S et al. Nat. Genet., 2017 01;49:46-53; Akhtar MM et al. Circ Heart Fail, 2020 Oct;13:e006832; Massier M et al. Clin Genet, 2025 Jan). Based on the majority of available evidence to date, this variant is likely to be pathogenic.

NM_001267550.2(TTN):c.52973del (p.Thr17658fs)

Genes: TTN (titin; minus strand), TTN-AS1 (TTN antisense RNA 1; plus strand), LOC126806425 (BRD4-independent group 4 enhancer GRCh37_chr2:179471933-179473132; plus strand). Cytogenetic location: 2q31.2.
Variant type: Deletion.
Coding change: c.52973del on transcript NM_001267550.2 (MANE Select); coding-DNA position 52973, one base deleted (C; older notation c.52973delC).
Protein change: p.Thr17658fs; shifts the reading frame from threonine 17658.
Molecular consequence: frameshift variant.
Genome position (GRCh38, 1-based): chr2:178,607,814, G deleted on the plus strand (C on the coding strand, the reverse complement: TTN is on the minus strand). VCF-style (leftmost placement, unchanged base first): chr2-178607813-TG-T. GRCh37 (hg19) VCF-style: chr2-179472540-TG-T.
Other names: c.48050del, p.Thr16017fs (NM_001256850.1); c.25778del, p.Thr8593fs (NM_003319.4); c.45269del, p.Thr15090fs (NM_133378.4); c.26153del, p.Thr8718fs (NM_133432.3); c.26354del, p.Thr8785fs (NM_133437.4); c.25778delC (NM_003319.4); short protein forms T16017fs, T8718fs, T15090fs, T8593fs, T17658fs, T8785fs.
Identifiers: ClinVar variation 4193729 (VCV004193729.1).